The following is an entry in ClinVar:

ClinVar aggregate classification (germline): Uncertain significance (1 of 4 stars; one submission).

Submission:

Labcorp Genetics (formerly Invitae), Labcorp
Classification: Uncertain significance. Last evaluated: 2023-12-13. Review status: criteria provided, single submitter. Criteria: Invitae Variant Classification Sherloc (09022015). Collection method: clinical testing. Allele origin: germline.
Comment: This sequence change replaces cysteine, which is neutral and slightly polar, with glycine, which is neutral and non-polar, at codon 4032 of the RNF213 protein (p.Cys4032Gly). This variant is not present in population databases (gnomAD no frequency). This missense change has been observed in individual(s) with clinical features of Moyamoya disease (Invitae). An algorithm developed to predict the effect of missense changes on protein structure and function (PolyPhen-2) suggests that this variant is likely to be disruptive. In summary, the available evidence is currently insufficient to determine the role of this variant in disease. Therefore, it has been classified as a Variant of Uncertain Significance.

NM_001256071.3(RNF213):c.12094T>G (p.Cys4032Gly)

Genes: RNF213-AS1 (RNF213 antisense RNA 1; minus strand), RNF213 (ring finger protein 213; plus strand). Cytogenetic location: 17q25.3.
Variant type: single nucleotide variant.
Coding change: c.12094T>G on transcript NM_001256071.3 (MANE Select); coding-DNA position 12094, T replaced by G.
Protein change: p.Cys4032Gly; replaces cysteine 4032 with glycine.
Molecular consequence: missense variant.
Genome position (GRCh38, 1-based): chr17:80,368,082, T>G. VCF-style: chr17-80368082-T-G. GRCh37 (hg19) VCF-style: chr17-78341882-T-G.
Other names: c.12241T>G, p.Cys4081Gly (NM_001410195.1, NM_020914.5); short protein forms C4032G, C4081G.
Identifiers: ClinVar variation 2699984 (VCV002699984.3), dbSNP rs1555675572, ClinGen allele CA401409211.